The following is an entry in ClinVar:

NM_004380.3(CREBBP):c.423T>G (p.Ser141=)

Gene: CREBBP (CREB binding lysine acetyltransferase; minus strand). Cytogenetic location: 16p13.3.
Variant type: single nucleotide variant.
Coding change: c.423T>G on transcript NM_004380.3 (MANE Select); coding-DNA position 423, T replaced by G.
Protein change: p.Ser141=; no amino-acid change (serine 141 retained).
Molecular consequence: synonymous variant.
Genome position (GRCh38, 1-based): chr16:3,850,672, A>C on the plus strand (T>G on the coding strand, the complement: CREBBP is on the minus strand). VCF-style: chr16-3850672-A-C. GRCh37 (hg19) VCF-style: chr16-3900673-A-C.
Other names: c.423T>G, p.Ser141= (NM_001079846.1).
Identifiers: ClinVar variation 284317 (VCV000284317.13), dbSNP rs760605470, ClinGen allele CA7870678.

ClinVar aggregate classification (germline): Conflicting classifications of pathogenicity. Review status: criteria provided, conflicting classifications (1 of 4 stars). 4 submissions from 4 submitters: Uncertain significance (1); Likely benign (2). 1 of the submissions does not count toward it. Last evaluated 2026-01-17.

Conditions:
CREBBP-related disorder. Also called: CREBBP-related condition; CREBBP-related disorders.
Rubinstein-Taybi syndrome (RSTS). Identifiers: Orphanet 783, MedGen C0035934, MONDO:0019188.

Allele frequency attached by ClinVar (database versions not stated): TOPMed 0.00002; ExAC 0.00003; gnomAD 0.00003 and 0.00004; gnomAD exomes 0.00004.
gnomAD v4.1: 46 of 1,614,086 alleles (0.0028%); highest among the groups gnomAD compares: Admixed American, 0.005%; no homozygotes.

Submissions (4):

Labcorp Genetics (formerly Invitae), Labcorp
Classification: Likely benign for Rubinstein-Taybi syndrome. Last evaluated: 2026-01-17. Review status: criteria provided, single submitter. Criteria: Invitae Variant Classification Sherloc (09022015). Collection method: clinical testing. Allele origin: germline.

Blueprint Genetics
Classification: Likely benign. Last evaluated: 2024-10-01. Review status: criteria provided, single submitter. Criteria: ACMG Guidelines, 2015. Collection method: clinical testing. Allele origin: germline.

Eurofins Ntd Llc (ga)
Classification: Uncertain significance. Last evaluated: 2015-11-04. Review status: criteria provided, single submitter. Criteria: EGL Classification Definitions 2015. Collection method: clinical testing. Allele origin: germline. Observed: 1 variant allele, 1 heterozygote.

PreventionGenetics, part of Exact Sciences
Classification: Likely benign for CREBBP-related condition. Last evaluated: 2020-09-11. Review status: no assertion criteria provided. Collection method: clinical testing. Allele origin: germline. Not counted in ClinVar's aggregate classification.
Comment: This variant is classified as likely benign based on ACMG/AMP sequence variant interpretation guidelines (Richards et al. 2015 PMID: 25741868, with internal and published modifications).